The following is an entry in ClinVar:

NM_058216.3(RAD51C):c.1070T>G (p.Leu357Trp)

Gene: RAD51C (RAD51 paralog C; plus strand). Cytogenetic location: 17q22.
Variant type: single nucleotide variant.
Coding change: c.1070T>G on transcript NM_058216.3 (MANE Select); coding-DNA position 1070, T replaced by G.
Protein change: p.Leu357Trp; replaces leucine 357 with tryptophan.
Molecular consequence: missense variant. On other transcripts: non-coding transcript variant (1).
Genome position (GRCh38, 1-based): chr17:58,734,161, T>G. VCF-style: chr17-58734161-T-G. GRCh37 (hg19) VCF-style: chr17-56811522-T-G.
Other names: c.*498T>G (NM_058217.1); short protein forms L357W.
Identifiers: ClinVar variation 2106482 (VCV002106482.5), dbSNP rs2144061446, ClinGen allele CA400366218.
Genomic context (GRCh38, chr17:58,734,161, plus strand): 5'-TATTTTTTATCTTTCAGCCTCAGGGATTTAGAGATACTGTTGTTACTTCTGCATGTTCAT[T>G]GCAAACAGAAGGTTCCTTGAGCACCCGGAAACGGTCACGAGACCCAGAGGAAGAATTATA-3'
Protein context (NP_478123.1, residues 347-367): RDTVVTSACS[Leu357Trp]QTEGSLSTRK

ClinVar aggregate classification (germline): Uncertain significance. Review status: criteria provided, multiple submitters, no conflicts (2 of 4 stars). 2 submissions from 2 submitters: Uncertain significance (2). Last evaluated 2024-04-02.

Conditions:
Fanconi anemia complementation group O. Also called: RAD51C-Related Fanconi Anemia. Identifiers: Orphanet 84, MedGen C3150653, MONDO:0013248, OMIM 613390.

Submissions (2):

GeneDx
Classification: Uncertain significance. Last evaluated: 2024-04-02. Review status: criteria provided, single submitter. Criteria: GeneDx Variant Classification Process June 2021. Collection method: clinical testing. Allele origin: germline. Affected: yes.
Comment: Not observed at significant frequency in large population cohorts (gnomAD); In silico analysis supports that this missense variant does not alter protein structure/function; Has not been previously published as pathogenic or benign to our knowledge; This variant is associated with the following publications: (PMID: 14704354)

Labcorp Genetics (formerly Invitae), Labcorp
Classification: Uncertain significance for Fanconi anemia complementation group O. Last evaluated: 2022-03-03. Review status: criteria provided, single submitter. Criteria: Invitae Variant Classification Sherloc (09022015). Collection method: clinical testing. Allele origin: germline.
Comment: In summary, the available evidence is currently insufficient to determine the role of this variant in disease. Therefore, it has been classified as a Variant of Uncertain Significance. Algorithms developed to predict the effect of missense changes on protein structure and function output the following: SIFT: "Tolerated"; PolyPhen-2: "Benign"; Align-GVGD: "Class C0". The tryptophan amino acid residue is found in multiple mammalian species, which suggests that this missense change does not adversely affect protein function. This variant has not been reported in the literature in individuals affected with RAD51C-related conditions. This variant is not present in population databases (gnomAD no frequency). This sequence change replaces leucine, which is neutral and non-polar, with tryptophan, which is neutral and slightly polar, at codon 357 of the RAD51C protein (p.Leu357Trp).